The following is an entry in ClinVar:

NM_000021.4(PSEN1):c.869-6C>T

Gene: PSEN1 (presenilin 1; plus strand). Cytogenetic location: 14q24.2.
Variant type: single nucleotide variant.
Coding change: c.869-6C>T on transcript NM_000021.4 (MANE Select); 6 bases into the intron before coding-DNA position 869, C replaced by T.
Molecular consequence: intron variant.
Genome position (GRCh38, 1-based): chr14:73,206,380, C>T. VCF-style: chr14-73206380-C-T. GRCh37 (hg19) VCF-style: chr14-73673088-C-T.
Other names: c.857-6C>T (NM_007318.3).
Identifiers: ClinVar variation 1705122 (VCV001705122.1), dbSNP rs754537407, ClinGen allele CA7256851.

ClinVar aggregate classification (germline): Uncertain significance (1 of 4 stars; one submission).

Allele frequency attached by ClinVar (database versions not stated): gnomAD exomes below 0.00001; ExAC 0.00001.
gnomAD v4.1: 2 of 1,612,972 alleles (0.00012%); highest among the groups gnomAD compares: Non-Finnish European, 0.00017%; no homozygotes.

Submission:

Women's Health and Genetics/Laboratory Corporation of America, LabCorp
Classification: Uncertain significance. Last evaluated: 2022-08-18. Review status: criteria provided, single submitter. Criteria: LabCorp Variant Classification Summary - May 2015. Collection method: clinical testing. Allele origin: germline.
Comment: Variant summary: PSEN1 c.869-6C>T alters a non-conserved nucleotide located close to a canonical splice site and therefore could affect mRNA splicing, leading to a significantly altered protein sequence. 4/4 computational tools predict no significant impact on normal splicing. However, these predictions have yet to be confirmed by functional studies. The variant was absent in 251326 control chromosomes (gnomAD). The available data on variant occurrences in the general population are insufficient to allow any conclusion about variant significance. To our knowledge, no occurrence of c.869-6C>T in individuals affected with Alzheimer Disease, Type 3 and no experimental evidence demonstrating its impact on protein function have been reported. No clinical diagnostic laboratories have submitted clinical-significance assessments for this variant to ClinVar after 2014. Based on the evidence outlined above, the variant was classified as uncertain significance.